The following is an entry in ClinVar:

NM_002485.5(NBN):c.1785G>C (p.Met595Ile)

Gene: NBN (nibrin; minus strand). Cytogenetic location: 8q21.3.
Variant type: single nucleotide variant.
Coding change: c.1785G>C on transcript NM_002485.5 (MANE Select); coding-DNA position 1785, G replaced by C.
Protein change: p.Met595Ile; replaces methionine 595 with isoleucine.
Molecular consequence: missense variant.
Genome position (GRCh38, 1-based): chr8:89,953,304, C>G on the plus strand (G>C on the coding strand, the complement: NBN is on the minus strand). VCF-style: chr8-89953304-C-G. GRCh37 (hg19) VCF-style: chr8-90965532-C-G.
Other names: c.1539G>C, p.Met513Ile (NM_001024688.3); short protein forms M595I, M513I.
Identifiers: ClinVar variation 820082 (VCV000820082.4), dbSNP rs1586052885, ClinGen allele CA371655095.

ClinVar aggregate classification (germline): Uncertain significance (1 of 4 stars; one submission).

Conditions:
Hereditary cancer-predisposing syndrome. Also called: Neoplastic Syndromes, Hereditary; Tumor predisposition; Hereditary Cancer Syndrome; Hereditary neoplastic syndrome. Identifiers: Orphanet 140162, MedGen C0027672, MeSH D009386, MONDO:0015356.

Submission:

Ambry Genetics
Classification: Uncertain significance for Hereditary cancer-predisposing syndrome. Last evaluated: 2019-07-17. Review status: criteria provided, single submitter. Criteria: Ambry Variant Classification Scheme 2023. Collection method: clinical testing. Allele origin: germline.
Comment: The p.M595I variant (also known as c.1785G>C), located in coding exon 11 of the NBN gene, results from a G to C substitution at nucleotide position 1785. The methionine at codon 595 is replaced by isoleucine, an amino acid with highly similar properties. This amino acid position is poorly conserved in available vertebrate species. In addition, this alteration is predicted to be tolerated by in silico analysis. Since supporting evidence is limited at this time, the clinical significance of this alteration remains unclear.